The following is an entry in ClinVar:

ClinVar aggregate classification (germline): Uncertain significance (1 of 4 stars; one submission).

gnomAD v4.1: 15 of 1,614,212 alleles (0.00093%); highest among the groups gnomAD compares: Non-Finnish European, 0.0013%; no homozygotes.

Submission:

Women's Health and Genetics/Laboratory Corporation of America, LabCorp
Classification: Uncertain significance. Last evaluated: 2026-04-02. Review status: criteria provided, single submitter. Criteria: LabCorp Variant Classification Summary - May 2015. Collection method: clinical testing. Allele origin: germline.
Comment: Variant summary: AFG2A c.14A>T (p.Lys5Met) results in a non-conservative amino acid change in the encoded protein sequence. Algorithms developed to predict the effect of missense changes on protein structure and function all suggest that this variant is likely to be disruptive. The variant allele was found at a frequency of 9.3e-06 in 1614212 control chromosomes. This frequency is not significantly higher than estimated for disease-causing variants in AFG2A, allowing no conclusion about variant significance. To our knowledge, no occurrence of c.14A>T in individuals affected with AFG2A-related conditions and no experimental evidence demonstrating its impact on protein function have been reported. No submitters have cited clinical-significance assessments for this variant to ClinVar. Based on the evidence outlined above, the variant was classified as uncertain significance.

NM_145207.3(AFG2A):c.14A>T (p.Lys5Met)

Gene: AFG2A (AAA ATPase AFG2A; plus strand). Cytogenetic location: 4q28.1.
Variant type: single nucleotide variant.
Coding change: c.14A>T on transcript NM_145207.3 (MANE Select); coding-DNA position 14, A replaced by T.
Protein change: p.Lys5Met; replaces lysine 5 with methionine.
Molecular consequence: missense variant.
Genome position (GRCh38, 1-based): chr4:122,923,156, A>T. VCF-style: chr4-122923156-A-T. GRCh37 (hg19) VCF-style: chr4-123844311-A-T.
Other names: c.14A>T, p.Lys5Met (NM_001317799.2, NM_001345856.2, NM_001437913.1 and 1 more transcripts); short protein forms K5M.
Identifiers: ClinVar variation 4848964 (VCV004848964.1).